The following is an entry in ClinVar:

ClinVar aggregate classification (germline): Likely benign (1 of 4 stars; one submission).

Allele frequency attached by ClinVar (database versions not stated): gnomAD exomes 0.00085; 1000 Genomes Project 30x 0.00297; 1000 Genomes Project 0.00300; TOPMed 0.00436; ExAC 0.00111; gnomAD 0.00354 and 0.00380; ESP Exome Variant Server 0.00415.

Submission:

GeneDx
Classification: Likely benign. Last evaluated: 2017-10-13. Review status: criteria provided, single submitter. Criteria: GeneDx Variant Classification (06012015). Collection method: clinical testing. Allele origin: germline. Affected: yes.
Comment: This variant is considered likely benign or benign based on one or more of the following criteria: it is a conservative change, it occurs at a poorly conserved position in the protein, it is predicted to be benign by multiple in silico algorithms, and/or has population frequency not consistent with disease.

NM_015634.3(KIFBP):c.-40G>A

Genes: KIFBP (kinesin family binding protein; plus strand), LOC130003959 (ATAC-STARR-seq lymphoblastoid active region 3474; plus strand). Cytogenetic location: 10q22.1.
Variant type: single nucleotide variant.
Coding change: c.-40G>A on transcript NM_015634.3; 40 bases upstream of the start codon, G replaced by A.
Genome position (GRCh38, 1-based): chr10:68,988,793, G>A. VCF-style: chr10-68988793-G-A. GRCh37 (hg19) VCF-style: chr10-70748549-G-A.
Identifiers: ClinVar variation 512621 (VCV000512621.3), dbSNP rs116772651, ClinGen allele CA5529589.
Genomic context (GRCh38, chr10:68,988,793, plus strand): 5'-CCGCAACGTGTCGAGAGCCGTAAGTAAAGTGTCGCAAAGCAGAAGGAAGGCGGGAGTCCC[G>A]ACTGCAAACATTGAGGAAAGCCAGGCAGTAGAGGCCGCTATGGCGAACGTTCCGTGGGCA-3'